The following is an entry in ClinVar:

NM_001267550.2(TTN):c.68825-2A>C

Genes: TTN (titin; minus strand), TTN-AS1 (TTN antisense RNA 1; plus strand). Cytogenetic location: 2q31.2.
Variant type: single nucleotide variant.
Coding change: c.68825-2A>C on transcript NM_001267550.2 (MANE Select); the canonical splice acceptor site of the intron before coding-DNA position 68825, A replaced by C.
Molecular consequence: splice acceptor variant.
Genome position (GRCh38, 1-based): chr2:178,577,512, T>G on the plus strand (A>C on the coding strand, the complement: TTN is on the minus strand). VCF-style: chr2-178577512-T-G. GRCh37 (hg19) VCF-style: chr2-179442239-T-G.
Other names: c.41630-2A>C (NM_003319.4); c.42206-2A>C (NM_133437.4); c.42005-2A>C (NM_133432.3); c.61121-2A>C (NM_133378.4); c.63902-2A>C (NM_001256850.1).
Identifiers: ClinVar variation 4996512 (VCV004996512.1).

ClinVar aggregate classification (germline): Likely pathogenic (1 of 4 stars; one submission).

Conditions:
TTN-related disorder. Also called: TTN-related disorders; TTN-related condition; TTN-related disease.

Submission:

PreventionGenetics, part of Exact Sciences
Classification: Likely pathogenic for TTN-related condition. Last evaluated: 2026-05-18. Review status: criteria provided, single submitter. Criteria: ACMG Guidelines, 2015. Collection method: clinical testing. Allele origin: germline.
Comment: The TTN c.68825-2A>C variant is predicted to disrupt the AG splice acceptor site and interfere with normal splicing. To our knowledge, this variant has not been reported in the literature or in a large population database (gnomAD), indicating this variant is rare. This variant is located in the A-band region of the protein in which truncating TTN variants have been found more frequently in dilated cardiomyopathy patients than in controls (Herman et al. 2012. PubMed ID: 22335739). RNAseq studies from heart tissue indicate this exon is commonly included in TTN mRNA transcripts (PSI of 100%, Roberts et al. 2015. PubMed ID: 25589632). TTN loss-of-function variants occurring in constitutively expressed exons (PSI > 90%) are more likely to be disease causing for TTN cardiac-related disorders regardless of band location (Roberts et al. 2015. PubMed ID: 25589632; Schafer et al. 2017. PubMed ID: 27869827; Akhtar et al. 2020. PubMed ID: 32964742). Many cases of recessive TTN-related myopathies in which the individual is compound heterozygous for two loss-of-function variants in TTN have also been reported (Ge et al. 2019. PubMed ID: 31053406; Oates et al. 2018. PubMed ID: 29691892; Rees et al. 2021. PubMed ID: 33449170). In summary, this variant is categorized as likely pathogenic. Of note, this variant is considered likely pathogenic for increased risk of TTN-related cardiac disorders, and also for autosomal recessive TTN-related congenital titinopathies.